The following is an entry in ClinVar:

ClinVar aggregate classification (germline): Uncertain significance (1 of 4 stars; one submission).

Conditions:
Gastrointestinal stromal tumor. Also called: Gastrointestinal stromal tumor, somatic; Gastrointestinal stroma tumor. Identifiers: Orphanet 44890, MedGen C0238198, MeSH D046152, MONDO:0011719, OMIM 606764, HP:0100723.

Submission:

Labcorp Genetics (formerly Invitae), Labcorp
Classification: Uncertain significance for Gastrointestinal stromal tumor. Last evaluated: 2024-12-24. Review status: criteria provided, single submitter. Criteria: Invitae Variant Classification Sherloc (09022015). Collection method: clinical testing. Allele origin: germline.
Comment: This sequence change creates a premature translational stop signal (p.Asn813Lysfs*6) in the PDGFRA gene. It is expected to result in an absent or disrupted protein product. However, the current clinical and genetic evidence is not sufficient to establish whether loss-of-function variants in PDGFRA cause disease. This variant is not present in population databases (gnomAD no frequency). This variant has not been reported in the literature in individuals affected with PDGFRA-related conditions. In summary, the available evidence is currently insufficient to determine the role of this variant in disease. Therefore, it has been classified as a Variant of Uncertain Significance.

NM_006206.6(PDGFRA):c.2438dup (p.Asn813fs)

Gene: PDGFRA (platelet derived growth factor receptor alpha; plus strand). Cytogenetic location: 4q12.
Variant type: Duplication.
Coding change: c.2438dup on transcript NM_006206.6 (MANE Select); coding-DNA position 2438, one base duplicated (A; older notation c.2438dupA).
Protein change: p.Asn813fs; shifts the reading frame from asparagine 813.
Molecular consequence: frameshift variant.
Genome position (GRCh38, 1-based): chr4:54,285,485, A duplicated; the last of 6 consecutive A bases (chr4:54,285,480-54,285,485); duplicating any one gives the same sequence. VCF-style (leftmost placement, unchanged base first): chr4-54285479-C-CA. GRCh37 (hg19) VCF-style: chr4-55151646-C-CA.
Other names: c.2513dup, p.Asn838fs (NM_001347828.2); c.2438dup, p.Asn813fs (NM_001347829.2); c.2477dup, p.Asn826fs (NM_001347830.2); short protein forms N838fs, N826fs, N813fs.
Identifiers: ClinVar variation 3727939 (VCV003727939.2).